The following is an entry in ClinVar:

NM_000059.4(BRCA2):c.559G>A (p.Glu187Lys)

Gene: BRCA2 (BRCA2 DNA repair associated; plus strand). Cytogenetic location: 13q13.1.
Variant type: single nucleotide variant.
Coding change: c.559G>A on transcript NM_000059.4 (MANE Select); coding-DNA position 559, G replaced by A.
Protein change: p.Glu187Lys; replaces glutamic acid 187 with lysine.
Molecular consequence: missense variant.
Genome position (GRCh38, 1-based): chr13:32,326,541, G>A. VCF-style: chr13-32326541-G-A. GRCh37 (hg19) VCF-style: chr13-32900678-G-A.
Other names: p.E187K:GAG>AAG; short protein forms E187K.
Identifiers: ClinVar variation 51888 (VCV000051888.18), dbSNP rs80358780, ClinGen allele CA022679.

ClinVar aggregate classification (germline): Uncertain significance. Review status: criteria provided, multiple submitters, no conflicts (2 of 4 stars). 6 submissions from 6 submitters: Uncertain significance (5). 1 of the submissions does not count toward it. Last evaluated 2025-12-05.

Conditions:
Hereditary breast ovarian cancer syndrome. Also called: Hereditary breast and ovarian cancer syndrome; Hereditary breast and ovarian cancer; Hereditary breast and ovarian cancer syndrome (HBOC); Breast and ovarian cancer; Hereditary breast and/or ovarian cancer syndrome; BRCA1- and BRCA2-Associated Hereditary Breast and Ovarian Cancer. Identifiers: Orphanet 145, MedGen C0677776, MeSH D061325, MONDO:0003582. Disease mechanism: loss of function.
Familial cancer of breast. Also called: BREAST CANCER, FAMILIAL; Hereditary breast cancer; hereditary breast carcinoma. Identifiers: Orphanet 227535, MedGen C0346153, MONDO:0016419, OMIM 114480. Disease mechanism: loss of function.
Hereditary cancer-predisposing syndrome. Also called: Neoplastic Syndromes, Hereditary; Tumor predisposition; Hereditary neoplastic syndrome; Hereditary Cancer Syndrome. Identifiers: Orphanet 140162, MedGen C0027672, MeSH D009386, MONDO:0015356.
Breast-ovarian cancer, familial, susceptibility to, 2 (BROVCA2). Also called: BRCA2 Hereditary Breast and Ovarian Cancer. Identifiers: Orphanet 145, MedGen C2675520, MONDO:0012933, OMIM 612555. Disease mechanism: loss of function.

gnomAD v4.1: 1 of 1,614,054 alleles (0.000062%); no homozygotes.

Submissions (6):

Labcorp Genetics (formerly Invitae), Labcorp
Classification: Uncertain significance for Hereditary breast ovarian cancer syndrome. Last evaluated: 2025-12-05. Review status: criteria provided, single submitter. Criteria: Invitae Variant Classification Sherloc (09022015). Collection method: clinical testing. Allele origin: germline.
Comment: This sequence change replaces glutamic acid, which is acidic and polar, with lysine, which is basic and polar, at codon 187 of the BRCA2 protein (p.Glu187Lys). This variant is not present in population databases (gnomAD no frequency). This variant has not been reported in the literature in individuals affected with BRCA2-related conditions. ClinVar contains an entry for this variant (Variation ID: 51888). Invitae Evidence Modeling of protein sequence and biophysical properties (such as structural, functional, and spatial information, amino acid conservation, physicochemical variation, residue mobility, and thermodynamic stability) indicates that this missense variant is not expected to disrupt BRCA2 protein function with a negative predictive value of 95%. RNA analysis performed to evaluate the impact of this missense change on mRNA splicing indicates it does not significantly alter splicing (internal data). In summary, the available evidence is currently insufficient to determine the role of this variant in disease. Therefore, it has been classified as a Variant of Uncertain Significance.

Ambry Genetics
Classification: Uncertain significance for Hereditary cancer-predisposing syndrome. Last evaluated: 2025-09-30. Review status: criteria provided, single submitter. Criteria: Ambry Variant Classification Scheme 2023. Collection method: clinical testing. Allele origin: germline.
Comment: The p.E187K variant (also known as c.559G>A), located in coding exon 6 of the BRCA2 gene, results from a G to A substitution at nucleotide position 559. The glutamic acid at codon 187 is replaced by lysine, an amino acid with similar properties. Functional analysis of this alteration demonstrated incomplete exon 7 (coding exon 6) skipping (Ambry internal data; Di Giacomo D, Hum. Mutat. 2013 Nov; 34(11):1547-57). This amino acid position is highly conserved in available vertebrate species. In addition, the in silico prediction for this alteration is inconclusive. Based on the available evidence, the clinical significance of this variant remains unclear.

Women's Health and Genetics/Laboratory Corporation of America, LabCorp
Classification: Uncertain significance. Last evaluated: 2025-01-06. Review status: criteria provided, single submitter. Criteria: LabCorp Variant Classification Summary - May 2015. Collection method: clinical testing. Allele origin: germline.
Comment: Variant summary: BRCA2 c.559G>A (p.Glu187Lys) results in a conservative amino acid change in the encoded protein sequence. Three of five in-silico tools predict a damaging effect of the variant on protein function. The variant was absent in 251416 control chromosomes. The available data on variant occurrences in the general population are insufficient to allow any conclusion about variant significance. c.559G>A has been reported in at least one individual affected with breast cancer in the BIC database. Additionally, a functional study has reported experimental evidence indicating that this variant impacts splicing in a minigene assay, resulting in the skipping of exon 7 in approximately 36-38% of transcripts, whereas the wildtype sequence results in skipping in approximately 11% of transcripts, however the results of this experiment are insufficient to make any strong conclusions about variant significance. The following publication has been ascertained in the context of this evaluation (PMID: 23983145). ClinVar contains an entry for this variant (Variation ID: 51888). Based on the evidence outlined above, the variant was classified as uncertain significance.

Baylor Genetics
Classification: Uncertain significance for Familial cancer of breast. Last evaluated: 2024-03-17. Review status: criteria provided, single submitter. Criteria: ACMG Guidelines, 2015. Collection method: clinical testing. Allele origin: unknown.

GeneDx
Classification: Uncertain significance. Last evaluated: 2014-04-17. Review status: criteria provided, single submitter. Criteria: GeneDx Variant Classification (06012015). Collection method: clinical testing. Allele origin: germline. Affected: yes.
Comment: This variant is denoted BRCA2 c.559G>A at the cDNA level, p.Glu187Lys (E187K) at the protein level, and results in the change of a Glutamic Acid to a Lysine (GAG>AAG). This variant has not, to our knowledge, been published in the literature as pathogenic or benign. BRCA2 Glu187Lys was not observed in approximately 6,500 individuals of European and African American ancestry in the NHLBI Exome Sequencing Project, indicating it is not a common benign variant in these populations. Since Glutamic Acid and Lysine differ in polarity, charge, size or other properties, this is considered a non-conservative amino acid substitution. BRCA2 Glu187Lys occurs at a position that is highly conserved across species and is not located in a known functional domain. In silico analyses predict that this variant is probably damaging to protein structure and function. Based on currently available information, it is unclear whether BRCA2 Glu187Lys is pathogenic or benign. We consider it to be a variant of uncertain significance.

Breast Cancer Information Core (BIC) (BRCA2)
Classification: Uncertain significance for Breast-ovarian cancer, familial 2. Last evaluated: 2002-05-29. Review status: no assertion criteria provided. Collection method: clinical testing. Allele origin: germline. Affected: yes. Observed: 1 variant allele. Not counted in ClinVar's aggregate classification.

Literature cited by the submitters: PubMed 23983145 (cited by Ambry Genetics and Women's Health and Genetics/Laboratory Corporation of America, LabCorp).